The following is an entry in ClinVar:

NM_033056.4(PCDH15):c.4679G>C (p.Ser1560Thr)

Gene: PCDH15 (protocadherin related 15; minus strand). Cytogenetic location: 10q21.1.
Variant type: single nucleotide variant.
Coding change: c.4679G>C on transcript NM_033056.4 (MANE Plus Clinical); coding-DNA position 4679, G replaced by C.
Protein change: p.Ser1560Thr; replaces serine 1560 with threonine.
Molecular consequence: missense variant. On other transcripts: intron variant (8).
Genome position (GRCh38, 1-based): chr10:53,823,047, C>G on the plus strand (G>C on the coding strand, the complement: PCDH15 is on the minus strand). VCF-style: chr10-53823047-C-G. GRCh37 (hg19) VCF-style: chr10-55582807-C-G.
Other names: c.4700G>C, p.Ser1567Thr (NM_001142763.2); c.4685G>C, p.Ser1562Thr (NM_001142764.2); c.4472G>C, p.Ser1491Thr (NM_001142765.2); c.4670G>C, p.Ser1557Thr (NM_001142766.2); c.4559G>C, p.Ser1520Thr (NM_001142767.2); c.4619G>C, p.Ser1540Thr (NM_001142768.2); c.4610G>C, p.Ser1537Thr (NM_001142773.2); c.4613G>C, p.Ser1538Thr (NM_001354404.2); and 6 more; short protein forms S1520T, S1491T, S1537T, S1567T, S1560T, S1538T, S1540T, S1557T.
Identifiers: ClinVar variation 2059117 (VCV002059117.4), dbSNP rs2492403771, ClinGen allele CA376526804.

ClinVar aggregate classification (germline): Uncertain significance (1 of 4 stars; one submission).

Submission:

Labcorp Genetics (formerly Invitae), Labcorp
Classification: Uncertain significance. Last evaluated: 2021-12-24. Review status: criteria provided, single submitter. Criteria: Invitae Variant Classification Sherloc (09022015). Collection method: clinical testing. Allele origin: germline.
Comment: In summary, the available evidence is currently insufficient to determine the role of this variant in disease. Therefore, it has been classified as a Variant of Uncertain Significance. Algorithms developed to predict the effect of missense changes on protein structure and function output the following: SIFT: "Tolerated"; PolyPhen-2: "Benign"; Align-GVGD: "Class C0". The threonine amino acid residue is found in multiple mammalian species, which suggests that this missense change does not adversely affect protein function. This variant has not been reported in the literature in individuals affected with PCDH15-related conditions. This variant is not present in population databases (gnomAD no frequency). This sequence change replaces serine, which is neutral and polar, with threonine, which is neutral and polar, at codon 1560 of the PCDH15 protein (p.Ser1560Thr).